The following is an entry in ClinVar:

NM_005188.4(CBL):c.187A>G (p.Met63Val)

Genes: CBL (Cbl proto-oncogene; plus strand), LOC130006895 (ATAC-STARR-seq lymphoblastoid silent region 3975; plus strand). Cytogenetic location: 11q23.3.
Variant type: single nucleotide variant.
Coding change: c.187A>G on transcript NM_005188.4 (MANE Select); coding-DNA position 187, A replaced by G.
Protein change: p.Met63Val; replaces methionine 63 with valine.
Molecular consequence: missense variant.
Genome position (GRCh38, 1-based): chr11:119,206,604, A>G. VCF-style: chr11-119206604-A-G. GRCh37 (hg19) VCF-style: chr11-119077314-A-G.
Other names: short protein forms M63V.
Identifiers: ClinVar variation 4219891 (VCV004219891.1).
Genomic context (GRCh38, chr11:119,206,604, plus strand): 5'-CTCAGCCCCCACCCGCCGGGGACGGTGGACAAGAAGATGGTGGAGAAGTGCTGGAAGCTC[A>G]TGGACAAGGTGAAAGGCCGGCTGAGCGCCCGCTGTTGCAGGGTGGGCGTGGGCGGAGGGC-3'
Protein context (NP_005179.2, residues 53-73): KKMVEKCWKL[Met63Val]DKVVRLCQNP

ClinVar aggregate classification (germline): Uncertain significance (1 of 4 stars; one submission).

Conditions:
Cardiovascular phenotype. Identifiers: MedGen CN230736.

Submission:

Ambry Genetics
Classification: Uncertain significance for Cardiovascular phenotype. Last evaluated: 2025-08-04. Review status: criteria provided, single submitter. Criteria: Ambry Variant Classification Scheme 2023. Collection method: clinical testing. Allele origin: germline.
Comment: The p.M63V variant (also known as c.187A>G), located in coding exon 1 of the CBL gene, results from an A to G substitution at nucleotide position 187. The methionine at codon 63 is replaced by valine, an amino acid with highly similar properties. This amino acid position is conserved. In addition, the in silico prediction for this alteration is inconclusive. Based on the available evidence, the clinical significance of this variant remains unclear.